The following is an entry in ClinVar:

ClinVar aggregate classification (germline): Uncertain significance (1 of 4 stars; one submission).

Conditions:
Myopathy, proximal, and ophthalmoplegia (CMYO6). Also called: MYOPATHY WITH CONGENITAL JOINT CONTRACTURES, OPHTHALMOPLEGIA, AND RIMMED VACUOLES; INCLUSION BODY MYOPATHY 3, AUTOSOMAL DOMINANT; CONGENITAL MYOPATHY 6 WITH OPHTHALMOPLEGIA. Identifiers: Orphanet 363677, Orphanet 79091, MedGen C1854106, MONDO:0011577, OMIM 605637.

Submission:

Labcorp Genetics (formerly Invitae), Labcorp
Classification: Uncertain significance for Myopathy, proximal, and ophthalmoplegia. Last evaluated: 2023-08-10. Review status: criteria provided, single submitter. Criteria: Invitae Variant Classification Sherloc (09022015). Collection method: clinical testing. Allele origin: germline.
Comment: This variant is not present in population databases (gnomAD no frequency). This sequence change replaces arginine, which is basic and polar, with glycine, which is neutral and non-polar, at codon 24 of the MYH2 protein (p.Arg24Gly). This variant has not been reported in the literature in individuals affected with MYH2-related conditions. Advanced modeling of protein sequence and biophysical properties (such as structural, functional, and spatial information, amino acid conservation, physicochemical variation, residue mobility, and thermodynamic stability) performed at Invitae indicates that this missense variant is not expected to disrupt MYH2 protein function. In summary, the available evidence is currently insufficient to determine the role of this variant in disease. Therefore, it has been classified as a Variant of Uncertain Significance.

NM_017534.6(MYH2):c.70C>G (p.Arg24Gly)

Genes: MYHAS (myosin heavy chain gene cluster antisense RNA; plus strand), MYH2 (myosin heavy chain 2; minus strand). Cytogenetic location: 17p13.1.
Variant type: single nucleotide variant.
Coding change: c.70C>G on transcript NM_017534.6 (MANE Select); coding-DNA position 70, C replaced by G.
Protein change: p.Arg24Gly; replaces arginine 24 with glycine.
Molecular consequence: missense variant.
Genome position (GRCh38, 1-based): chr17:10,547,851, G>C on the plus strand (C>G on the coding strand, the complement: MYH2 is on the minus strand). VCF-style: chr17-10547851-G-C. GRCh37 (hg19) VCF-style: chr17-10451168-G-C.
Other names: c.70C>G, p.Arg24Gly (NM_001100112.2); short protein forms R24G.
Identifiers: ClinVar variation 2980279 (VCV002980279.3), dbSNP rs150705907, ClinGen allele CA398174176.